The following is an entry in ClinVar:

NM_001378457.1(DMXL2):c.4490A>T (p.Asn1497Ile)

Gene: DMXL2 (Dmx like 2; minus strand). Cytogenetic location: 15q21.2.
Variant type: single nucleotide variant.
Coding change: c.4490A>T on transcript NM_001378457.1 (MANE Select); coding-DNA position 4490, A replaced by T.
Protein change: p.Asn1497Ile; replaces asparagine 1497 with isoleucine.
Molecular consequence: missense variant. On other transcripts: non-coding transcript variant (2), intron variant (2).
Genome position (GRCh38, 1-based): chr15:51,498,734, T>A on the plus strand (A>T on the coding strand, the complement: DMXL2 is on the minus strand). VCF-style: chr15-51498734-T-A. GRCh37 (hg19) VCF-style: chr15-51790931-T-A.
Other names: c.4490A>T, p.Asn1497Ile (NM_001174116.3, NM_001378458.1, NM_001378459.1 and 4 more transcripts); c.4250A>T, p.Asn1417Ile (NM_001378464.1); c.2765-6987A>T (NM_001378460.1); c.2765-3600A>T (NM_001174117.3); short protein forms N1497I, N1417I.
Identifiers: ClinVar variation 2108294 (VCV002108294.4), dbSNP rs2043363421, ClinGen allele CA392431702.
Genomic context (GRCh38, chr15:51,498,734, plus strand): 5'-TGACTTGAAAGTACCCTTGCATGTTCTTGGCCAAAGTAAGCTGGTCCATATTGAGAAAGA[T>A]TTATTACTTTTGATTTGTTTTCTCTCTTTTCAGGCTCTAAATCAATATCATCCGTTGGTA-3'
Protein context (NP_001365386.1, residues 1487-1507): EKRENKSKVI[Asn1497Ile]LSQYGPAYFG

ClinVar aggregate classification (germline): Uncertain significance (1 of 4 stars; one submission).

Allele frequency attached by ClinVar (database versions not stated): TOPMed 0.00001.

Submission:

Labcorp Genetics (formerly Invitae), Labcorp
Classification: Uncertain significance. Last evaluated: 2022-05-09. Review status: criteria provided, single submitter. Criteria: Invitae Variant Classification Sherloc (09022015). Collection method: clinical testing. Allele origin: germline.
Comment: This variant has not been reported in the literature in individuals affected with DMXL2-related conditions. This variant is not present in population databases (gnomAD no frequency). This sequence change replaces asparagine, which is neutral and polar, with isoleucine, which is neutral and non-polar, at codon 1497 of the DMXL2 protein (p.Asn1497Ile). Algorithms developed to predict the effect of missense changes on protein structure and function are either unavailable or do not agree on the potential impact of this missense change (SIFT: "Tolerated"; PolyPhen-2: "Probably Damaging"; Align-GVGD: "Class C0"). In summary, the available evidence is currently insufficient to determine the role of this variant in disease. Therefore, it has been classified as a Variant of Uncertain Significance.